The following is an entry in ClinVar:

ClinVar aggregate classification (germline): Uncertain significance (1 of 4 stars; one submission).

Conditions:
Inborn genetic diseases. Identifiers: MedGen C0950123, MeSH D030342.

Submission:

Ambry Genetics
Classification: Uncertain significance for Inborn genetic diseases. Last evaluated: 2025-06-02. Review status: criteria provided, single submitter. Criteria: Ambry Variant Classification Scheme 2023. Collection method: clinical testing. Allele origin: germline.
Comment: The p.D178N variant (also known as c.532G>A), located in coding exon 5 of the CEP57 gene, results from a G to A substitution at nucleotide position 532. The aspartic acid at codon 178 is replaced by asparagine, an amino acid with highly similar properties. This amino acid position is conserved. In addition, this alteration is predicted to be tolerated by in silico analysis. Based on the available evidence, the clinical significance of this variant remains unclear.

NM_014679.5(CEP57):c.532G>A (p.Asp178Asn)

Gene: CEP57 (centrosomal protein 57; plus strand). Cytogenetic location: 11q21.
Variant type: single nucleotide variant.
Coding change: c.532G>A on transcript NM_014679.5 (MANE Select); coding-DNA position 532, G replaced by A.
Protein change: p.Asp178Asn; replaces aspartic acid 178 with asparagine.
Molecular consequence: missense variant.
Genome position (GRCh38, 1-based): chr11:95,817,814, G>A. VCF-style: chr11-95817814-G-A. GRCh37 (hg19) VCF-style: chr11-95550978-G-A.
Other names: c.505G>A, p.Asp169Asn (NM_001243776.2); c.532G>A, p.Asp178Asn (NM_001243777.2); c.451G>A, p.Asp151Asn (NM_001363604.2); short protein forms D178N, D151N, D169N.
Identifiers: ClinVar variation 4001072 (VCV004001072.1).